The following is an entry in ClinVar:

NM_033453.4(ITPA):c.*40G>C

Gene: ITPA (inosine triphosphatase; plus strand). Cytogenetic location: 20p13.
Variant type: single nucleotide variant.
Coding change: c.*40G>C on transcript NM_033453.4 (MANE Select); 40 bases downstream of the stop codon, G replaced by C.
Molecular consequence: 3 prime UTR variant. On other transcripts: missense variant (5), non-coding transcript variant (2), intron variant (1).
Genome position (GRCh38, 1-based): chr20:3,223,502, G>C. VCF-style: chr20-3223502-G-C. GRCh37 (hg19) VCF-style: chr20-3204148-G-C.
Other names: c.*40G>C (NM_001267623.2, NM_001424409.1, NM_181493.4); c.288G>C, p.Trp96Cys (NM_001324236.2, NM_001324237.2, NM_001324238.2 and 1 more transcripts); c.672G>C, p.Trp224Cys (NM_001424408.1); c.412-3181G>C (NM_001324240.2); c.288G>C (NM_001324238.1); short protein forms W224C, W96C.
Identifiers: ClinVar variation 3035201 (VCV003035201.2), dbSNP rs116106310, ClinGen allele CA9741379.

ClinVar aggregate classification (germline): Benign (0 of 4 stars; one submission).

Conditions:
ITPA-related disorder. Also called: ITPA-related condition.

Allele frequency attached by ClinVar (database versions not stated): ExAC 0.00098; 1000 Genomes Project 30x 0.00250; ESP Exome Variant Server 0.00269; 1000 Genomes Project 0.00300.
gnomAD v4.1: 570 of 1,528,178 alleles (0.037%); highest among the groups gnomAD compares: African/African-American, 0.69%; 2 homozygotes.

Submission:

PreventionGenetics, part of Exact Sciences
Classification: Benign for ITPA-related condition. Last evaluated: 2019-08-12. Review status: no assertion criteria provided. Collection method: clinical testing. Allele origin: germline.
Comment: This variant is classified as benign based on ACMG/AMP sequence variant interpretation guidelines (Richards et al. 2015 PMID: 25741868, with internal and published modifications).